The following is an entry in ClinVar:

ClinVar aggregate classification (germline): Pathogenic/Likely pathogenic. Review status: criteria provided, multiple submitters, no conflicts (2 of 4 stars). 2 submissions from 2 submitters: Pathogenic (1); Likely pathogenic (1). Last evaluated 2022-04-12.

Conditions:
Bardet-Biedl syndrome 8 (BBS8). Identifiers: Orphanet 110, MedGen C1859566, MONDO:0014436, OMIM 615985.
Bardet-Biedl syndrome (BBS). Identifiers: Orphanet 110, MedGen C0752166, MONDO:0015229.

Submissions (2):

Labcorp Genetics (formerly Invitae), Labcorp
Classification: Pathogenic for Bardet-Biedl syndrome. Last evaluated: 2022-04-12. Review status: criteria provided, single submitter. Criteria: Invitae Variant Classification Sherloc (09022015). Collection method: clinical testing. Allele origin: germline.
Comment: This sequence change creates a premature translational stop signal (p.Ile291*) in the TTC8 gene. It is expected to result in an absent or disrupted protein product. Loss-of-function variants in TTC8 are known to be pathogenic (PMID: 16308660, 16877420, 19797195, 21052717, 30886724). For these reasons, this variant has been classified as Pathogenic. This variant has not been reported in the literature in individuals affected with TTC8-related conditions. This variant is not present in population databases (gnomAD no frequency).

DNA-diagnostics Laboratory, Research Centre For Medical Genetics
Classification: Likely pathogenic for Bardet-Biedl syndrome 8. Review status: criteria provided, single submitter. Criteria: ACMG Guidelines, 2015. Collection method: clinical testing. Allele origin: germline. Affected: yes. Observed: 1 homozygote.

Literature cited by the submitters: PubMed 16308660 (cited by Labcorp Genetics (formerly Invitae), Labcorp); PubMed 16877420 (cited by Labcorp Genetics (formerly Invitae), Labcorp); PubMed 19797195 (cited by Labcorp Genetics (formerly Invitae), Labcorp); PubMed 21052717 (cited by Labcorp Genetics (formerly Invitae), Labcorp); PubMed 30886724 (cited by Labcorp Genetics (formerly Invitae), Labcorp).

NM_144596.4(TTC8):c.901_905del (p.Arg300_Ile301insTer)

Gene: TTC8 (tetratricopeptide repeat domain 8; plus strand). Cytogenetic location: 14q31.3.
Variant type: Deletion.
Coding change: c.901_905del on transcript NM_144596.4 (MANE Select); coding-DNA positions 901 to 905, 5 bases deleted (ATCTA; older notation c.901_905delATCTA).
Protein change: p.Arg300_Ile301insTer.
Molecular consequence: nonsense. On other transcripts: non-coding transcript variant (1).
Genome position (GRCh38, 1-based): chr14:88,861,324-88,861,328, ATCTA deleted; deleting any 5 consecutive bases within chr14:88,861,323-88,861,328 gives the same sequence; the c. name uses the placement nearest the transcript's 3' end. VCF-style (leftmost placement, unchanged base first): chr14-88861322-GAATCT-G. GRCh37 (hg19) VCF-style: chr14-89327666-GAATCT-G.
Other names: c.949_953del, p.Arg316_Ile317insTer (NM_001288781.1); c.307_311del, p.Arg102_Ile103insTer (NM_001288782.1); c.184_188del, p.Arg61_Ile62insTer (NM_001288783.1); c.871_875del, p.Arg290_Ile291insTer (NM_001366535.2, NM_198309.3); c.781_785del, p.Arg260_Ile261insTer (NM_001366536.2, NM_198310.3).
Identifiers: ClinVar variation 2186475 (VCV002186475.5), dbSNP rs2546212753, ClinGen allele CA2580088902.